The following is an entry in ClinVar:

NM_032608.7(MYO18B):c.7160del (p.Leu2387fs)

Gene: MYO18B (myosin XVIIIB; plus strand). Cytogenetic location: 22q12.1.
Variant type: Deletion.
Coding change: c.7160del on transcript NM_032608.7 (MANE Select); coding-DNA position 7160, one base deleted (T; older notation c.7160delT).
Protein change: p.Leu2387fs; shifts the reading frame from leucine 2387.
Molecular consequence: frameshift variant.
Genome position (GRCh38, 1-based): chr22:26,027,134, T deleted. VCF-style (leftmost placement, unchanged base first): chr22-26027133-CT-C. GRCh37 (hg19) VCF-style: chr22-26423099-CT-C.
Other names: c.7163del, p.Leu2388fs (NM_001318245.2); short protein forms L2387fs, L2388fs.
Identifiers: ClinVar variation 4724763 (VCV004724763.1).

ClinVar aggregate classification (germline): Pathogenic (1 of 4 stars; one submission).

Submission:

Labcorp Genetics (formerly Invitae), Labcorp
Classification: Pathogenic. Last evaluated: 2025-08-09. Review status: criteria provided, single submitter. Criteria: Invitae Variant Classification Sherloc (09022015). Collection method: clinical testing. Allele origin: germline.
Comment: This sequence change creates a premature translational stop signal (p.Leu2387Argfs*28) in the MYO18B gene. It is expected to result in an absent or disrupted protein product. Loss-of-function variants in MYO18B are known to be pathogenic (PMID: 25748484, 32184166, 32637634). This variant is not present in population databases (gnomAD no frequency). This variant has not been reported in the literature in individuals affected with MYO18B-related conditions. For these reasons, this variant has been classified as Pathogenic.

Literature cited by the submitters: PubMed 25748484; PubMed 32184166; PubMed 32637634.